The following is an entry in ClinVar:

NM_020795.4(NLGN2):c.250_257dup (p.Pro87fs)

Gene: NLGN2 (neuroligin 2; plus strand). Cytogenetic location: 17p13.1.
Variant type: Duplication.
Coding change: c.250_257dup on transcript NM_020795.4 (MANE Select); coding-DNA positions 250 to 257, 8 bases duplicated (TTCCAGCC; older notation c.250_257dupTTCCAGCC).
Protein change: p.Pro87fs; shifts the reading frame from proline 87.
Molecular consequence: frameshift variant.
Genome position (GRCh38, 1-based): chr17:7,408,505-7,408,512, TTCCAGCC duplicated; duplicating any 8 consecutive bases within chr17:7,408,504-7,408,512 gives the same sequence; the c. name uses the placement nearest the transcript's 3' end. VCF-style (leftmost placement, unchanged base first): chr17-7408503-G-GCTTCCAGC. GRCh37 (hg19) VCF-style: chr17-7311822-G-GCTTCCAGC.
Other names: short protein forms P87fs.
Identifiers: ClinVar variation 3381643 (VCV003381643.1).

ClinVar aggregate classification (germline): Uncertain significance (1 of 4 stars; one submission).

Submission:

GeneDx
Classification: Uncertain significance. Last evaluated: 2024-05-23. Review status: criteria provided, single submitter. Criteria: GeneDx Variant Classification Process June 2021. Collection method: clinical testing. Allele origin: germline. Affected: yes.
Comment: Not observed at significant frequency in large population cohorts (gnomAD); Frameshift variant predicted to result in protein truncation or nonsense mediated decay in a gene or region of a gene for which loss of function is not a well-established mechanism of disease; Has not been previously published as pathogenic or benign to our knowledge